The following is an entry in ClinVar:

NM_015631.6(TCTN3):c.296G>A (p.Cys99Tyr)

Gene: TCTN3 (tectonic family member 3; minus strand). Cytogenetic location: 10q24.1.
Variant type: single nucleotide variant.
Coding change: c.296G>A on transcript NM_015631.6 (MANE Select); coding-DNA position 296, G replaced by A.
Protein change: p.Cys99Tyr; replaces cysteine 99 with tyrosine.
Molecular consequence: missense variant.
Genome position (GRCh38, 1-based): chr10:95,693,437, C>T on the plus strand (G>A on the coding strand, the complement: TCTN3 is on the minus strand). VCF-style: chr10-95693437-C-T. GRCh37 (hg19) VCF-style: chr10-97453194-C-T.
Other names: c.296G>A, p.Cys99Tyr (NM_001143973.2, NM_001410982.1); short protein forms C99Y.
Identifiers: ClinVar variation 5007752 (VCV005007752.2).
Genomic context (GRCh38, chr10:95,693,437, plus strand): 5'-GAGAAAACTGTCCTCGGATGGAGAAGATAGCAGTCCCTGTCGCAGCAGCAATTTATATCG[C>T]AGGCTCCAGGAGTCAAGTCACAGACACAGATCGGTAAGACTATGAAAGTACGACACAGAG-3'
Protein context (NP_056446.4, residues 89-109): ICVCDLTPGA[Cys99Tyr]DINCCCDRDC

ClinVar aggregate classification (germline): Uncertain significance (1 of 4 stars; one submission).

Conditions:
Orofacial-digital syndrome IV (OFD4). Also called: MOHR-MAJEWSKI SYNDROME; OFD SYNDROME WITH TIBIAL DEFECTS; OFD SYNDROME, BARAITSER-BURN TYPE; OFDS IV; ORAL-FACIAL-DIGITAL SYNDROME, TYPE IV; BARAITSER-BURN SYNDROME. Identifiers: Orphanet 2753, MedGen C0406727, MONDO:0009794, OMIM 258860.
Joubert syndrome 18 (JBTS18). Identifiers: Orphanet 2754, MedGen C3553758, MONDO:0013896, OMIM 614815.

gnomAD v4.1: 7 of 1,552,046 alleles (0.00045%); highest among the groups gnomAD compares: East Asian, 0.0049%; no homozygotes.

Submission:

Juno Genomics, Hangzhou Juno Genomics, Inc
Classification: Uncertain significance for Joubert syndrome 18; Orofacial-digital syndrome IV. Review status: criteria provided, single submitter. Criteria: ACMG Guidelines, 2015. Collection method: clinical testing. Allele origin: germline.
Comment: Absent from controls (or at extremely low frequency if recessive) in Genome Aggregation Database.;Multiple lines of computational evidence support a deleterious effect on the gene or gene product.